The following is an entry in ClinVar:

ClinVar aggregate classification (germline): Uncertain significance (1 of 4 stars; one submission).

Submission:

Labcorp Genetics (formerly Invitae), Labcorp
Classification: Uncertain significance. Last evaluated: 2025-07-14. Review status: criteria provided, single submitter. Criteria: Invitae Variant Classification Sherloc (09022015). Collection method: clinical testing. Allele origin: germline.
Comment: This sequence change replaces glycine, which is neutral and non-polar, with valine, which is neutral and non-polar, at codon 1437 of the ATR protein (p.Gly1437Val). This variant is not present in population databases (gnomAD no frequency). This variant has not been reported in the literature in individuals affected with ATR-related conditions. An algorithm developed to predict the effect of missense changes on protein structure and function (PolyPhen-2) suggests that this variant is likely to be tolerated. In summary, the available evidence is currently insufficient to determine the role of this variant in disease. Therefore, it has been classified as a Variant of Uncertain Significance.

NM_001184.4(ATR):c.4310G>T (p.Gly1437Val)

Gene: ATR (ATR checkpoint kinase; minus strand). Cytogenetic location: 3q23.
Variant type: single nucleotide variant.
Coding change: c.4310G>T on transcript NM_001184.4 (MANE Select); coding-DNA position 4310, G replaced by T.
Protein change: p.Gly1437Val; replaces glycine 1437 with valine.
Molecular consequence: missense variant.
Genome position (GRCh38, 1-based): chr3:142,519,741, C>A on the plus strand (G>T on the coding strand, the complement: ATR is on the minus strand). VCF-style: chr3-142519741-C-A. GRCh37 (hg19) VCF-style: chr3-142238583-C-A.
Other names: c.4118G>T, p.Gly1373Val (NM_001354579.2); short protein forms G1437V, G1373V.
Identifiers: ClinVar variation 4723241 (VCV004723241.1).
Genomic context (GRCh38, chr3:142,519,741, plus strand): 5'-TGAGGTTCTAGTATTTCCCGAACATGCTCAGGAAATCTCCTCCACAATTGGTGACCTGGG[C>A]CGTTGGTCTCCATCTCTCTACAGTCATAAATAGAAAGCAACTCCTACAAATACATATTTT-3'
Protein context (NP_001175.2, residues 1427-1447): IYDCREMETN[Gly1437Val]PGHQLWRRFP